The following is an entry in ClinVar:

ClinVar aggregate classification (germline): Uncertain significance (1 of 4 stars; one submission).

gnomAD v4.1: 1 of 1,614,158 alleles (0.000062%); no homozygotes.

Submission:

Labcorp Genetics (formerly Invitae), Labcorp
Classification: Uncertain significance. Last evaluated: 2025-06-22. Review status: criteria provided, single submitter. Criteria: Invitae Variant Classification Sherloc (09022015). Collection method: clinical testing. Allele origin: germline.
Comment: This sequence change replaces valine, which is neutral and non-polar, with alanine, which is neutral and non-polar, at codon 173 of the ARL3 protein (p.Val173Ala). This variant is not present in population databases (gnomAD no frequency). This variant has not been reported in the literature in individuals affected with ARL3-related conditions. ClinVar contains an entry for this variant (Variation ID: 1051552). An algorithm developed to predict the effect of missense changes on protein structure and function (PolyPhen-2) suggests that this variant is likely to be tolerated. In summary, the available evidence is currently insufficient to determine the role of this variant in disease. Therefore, it has been classified as a Variant of Uncertain Significance.

NM_004311.4(ARL3):c.518T>C (p.Val173Ala)

Gene: ARL3 (ARF like GTPase 3; minus strand). Cytogenetic location: 10q24.32.
Variant type: single nucleotide variant.
Coding change: c.518T>C on transcript NM_004311.4 (MANE Select); coding-DNA position 518, T replaced by C.
Protein change: p.Val173Ala; replaces valine 173 with alanine.
Molecular consequence: missense variant.
Genome position (GRCh38, 1-based): chr10:102,676,925, A>G on the plus strand (T>C on the coding strand, the complement: ARL3 is on the minus strand). VCF-style: chr10-102676925-A-G. GRCh37 (hg19) VCF-style: chr10-104436682-A-G.
Other names: short protein forms V173A.
Identifiers: ClinVar variation 1051552 (VCV001051552.9), dbSNP rs2135993842, ClinGen allele CA377918290.